The following is an entry in ClinVar:

ClinVar aggregate classification (germline): Uncertain significance. Review status: criteria provided, multiple submitters, no conflicts (2 of 4 stars). 3 submissions from 3 submitters: Uncertain significance (3). Last evaluated 2025-11-10.

Conditions:
Pheochromocytoma/paraganglioma syndrome 4. Also called: SDHB-Related Hereditary Paraganglioma-Pheochromocytoma Syndrome (Paragangliomas 4); SDHB-Related Hereditary Paraganglioma-Pheochromocytoma Syndrome; CAROTID BODY TUMORS AND MULTIPLE EXTRAADRENAL PHEOCHROMOCYTOMAS; PARAGANGLIOMA, FAMILIAL MALIGNANT; PARAGANGLIOMAS, HEREDITARY EXTRAADRENAL; PHEOCHROMOCYTOMA, FAMILIAL EXTRAADRENAL. Identifiers: Orphanet 29072, MedGen C1861848, MONDO:0007273, OMIM 115310.
Pheochromocytoma. Also called: MAX-Related Hereditary Paraganglioma-Pheochromocytoma Syndrome. Identifiers: Orphanet 29072, MedGen C0031511, MONDO:0008233, OMIM 171300, HP:0002666.
Gastrointestinal stromal tumor. Also called: Gastrointestinal stromal tumor, somatic; Gastrointestinal stroma tumor. Identifiers: Orphanet 44890, MedGen C0238198, MeSH D046152, MONDO:0011719, OMIM 606764, HP:0100723.
Hereditary pheochromocytoma and paraganglioma. Also called: Hereditary paragangliomas and pheochromocytomas; Hereditary pheochromocytoma-paraganglioma; Hereditary Paraganglioma-Pheochromocytoma Syndromes. Identifiers: Orphanet 29072, MedGen C4274332, MONDO:0017366.
Hereditary cancer-predisposing syndrome. Also called: Neoplastic Syndromes, Hereditary; Tumor predisposition; Hereditary Cancer Syndrome; Hereditary neoplastic syndrome. Identifiers: Orphanet 140162, MedGen C0027672, MeSH D009386, MONDO:0015356.

Allele frequency attached by ClinVar (database versions not stated): TOPMed below 0.00001.

Submissions (3):

Labcorp Genetics (formerly Invitae), Labcorp
Classification: Uncertain significance for Gastrointestinal stromal tumor; Pheochromocytoma/paraganglioma syndrome 4; Pheochromocytoma. Last evaluated: 2025-11-10. Review status: criteria provided, single submitter. Criteria: Invitae Variant Classification Sherloc (09022015). Collection method: clinical testing. Allele origin: germline.
Comment: This sequence change replaces lysine, which is basic and polar, with asparagine, which is neutral and polar, at codon 78 of the SDHB protein (p.Lys78Asn). This variant is not present in population databases (gnomAD no frequency). This variant has not been reported in the literature in individuals affected with SDHB-related conditions. ClinVar contains an entry for this variant (Variation ID: 656049). Invitae Evidence Modeling of protein sequence and biophysical properties (such as structural, functional, and spatial information, amino acid conservation, physicochemical variation, residue mobility, and thermodynamic stability) indicates that this missense variant is not expected to disrupt SDHB protein function with a negative predictive value of 80%. In summary, the available evidence is currently insufficient to determine the role of this variant in disease. Therefore, it has been classified as a Variant of Uncertain Significance.

Ambry Genetics
Classification: Uncertain significance for Hereditary cancer-predisposing syndrome. Last evaluated: 2025-07-13. Review status: criteria provided, single submitter. Criteria: Ambry Variant Classification Scheme 2023. Collection method: clinical testing. Allele origin: germline.
Comment: The p.K78N variant (also known as c.234G>T), located in coding exon 3 of the SDHB gene, results from a G to T substitution at nucleotide position 234. The lysine at codon 78 is replaced by asparagine, an amino acid with similar properties. This amino acid position is highly conserved in available vertebrate species. In addition, the in silico prediction for this alteration is inconclusive. Since supporting evidence is limited at this time, the clinical significance of this alteration remains unclear.

All of Us Research Program, National Institutes of Health
Classification: Uncertain significance for Hereditary pheochromocytoma and paraganglioma. Last evaluated: 2024-09-23. Review status: criteria provided, single submitter. Criteria: ACMG Guidelines, 2015. Collection method: clinical testing. Allele origin: germline. Inheritance: Autosomal dominant inheritance. Observed: 2 variant alleles, 2 heterozygotes.
Comment: This missense variant replaces lysine with asparagine at codon 78 of the SDHB protein. Computational prediction suggests that this variant may have deleterious impact on protein structure and function (internally defined REVEL score threshold >= 0.7, PMID: 27666373). To our knowledge, functional studies have not been reported for this variant. This variant has not been reported in individuals affected with SDHB-related disorders in the literature. This variant has not been identified in the general population by the Genome Aggregation Database (gnomAD). The available evidence is insufficient to determine the role of this variant in disease conclusively. Therefore, this variant is classified as a Variant of Uncertain Significance.

This study involves interpretation of variants in research participants for the purpose of population health screening. Participant phenotype was not available at the time of variant classification. Additional details can be found in publication PMID: 35346344, PMCID: PMC8962531

NM_003000.3(SDHB):c.234G>T (p.Lys78Asn)

Gene: SDHB (succinate dehydrogenase complex iron sulfur subunit B; minus strand). Cytogenetic location: 1p36.13.
Variant type: single nucleotide variant.
Coding change: c.234G>T on transcript NM_003000.3 (MANE Select); coding-DNA position 234, G replaced by T.
Protein change: p.Lys78Asn; replaces lysine 78 with asparagine.
Molecular consequence: missense variant.
Genome position (GRCh38, 1-based): chr1:17,033,112, C>A on the plus strand (G>T on the coding strand, the complement: SDHB is on the minus strand). VCF-style: chr1-17033112-C-A. GRCh37 (hg19) VCF-style: chr1-17359607-C-A.
Other names: short protein forms K78N.
Identifiers: ClinVar variation 656049 (VCV000656049.13), dbSNP rs776971836, ClinGen allele CA338276577.